The following is an entry in ClinVar:

ClinVar aggregate classification (germline): Pathogenic (1 of 4 stars; one submission).

Conditions:
Dystonia 5 (DRD). Also called: DYT-GCH1; DYSTONIA, PROGRESSIVE, WITH DIURNAL VARIATION; DYSTONIA-PARKINSONISM WITH DIURNAL FLUCTUATION; GTP Cyclohydrolase 1-Deficient Dopa-Responsive Dystonia; Dystonia, DOPA-responsive, with or without hyperphenylalaninemia. Identifiers: Orphanet 98808, MedGen C1851920, MONDO:0007495, OMIM 128230.
GTP cyclohydrolase I deficiency. Identifiers: MedGen C0268467, MONDO:0100184.

Submission:

Labcorp Genetics (formerly Invitae), Labcorp
Classification: Pathogenic for GTP cyclohydrolase I deficiency; Dystonia 5. Last evaluated: 2022-03-03. Review status: criteria provided, single submitter. Criteria: Invitae Variant Classification Sherloc (09022015). Collection method: clinical testing. Allele origin: germline.
Comment: For these reasons, this variant has been classified as Pathogenic. This variant disrupts a region of the GCH1 protein in which other variant(s) (p.Val205Glu) have been determined to be pathogenic (PMID: 10496263; Invitae). This suggests that this is a clinically significant region of the protein, and that variants that disrupt it are likely to be disease-causing. This variant has not been reported in the literature in individuals affected with GCH1-related conditions. This variant is a gross deletion of the genomic region encompassing exon(s) 4-5 of the GCH1 gene. This variant would be expected to be in-frame, preserving the integrity of the reading frame.

Literature cited by the submitters: PubMed 10496263.

NC_000014.8:g.(?_55312466)_(55313868_?)del

Gene: GCH1 (GTP cyclohydrolase 1; minus strand). Cytogenetic location: 14q22.2.
Variant type: Deletion.
Identifiers: ClinVar variation 1454629 (VCV001454629.5).